The following is an entry in ClinVar:

NM_002230.4(JUP):c.185C>G (p.Thr62Ser)

Gene: JUP (junction plakoglobin; minus strand). Cytogenetic location: 17q21.2.
Variant type: single nucleotide variant.
Coding change: c.185C>G on transcript NM_002230.4 (MANE Select); coding-DNA position 185, C replaced by G.
Protein change: p.Thr62Ser; replaces threonine 62 with serine.
Molecular consequence: missense variant.
Genome position (GRCh38, 1-based): chr17:41,771,670, G>C on the plus strand (C>G on the coding strand, the complement: JUP is on the minus strand). VCF-style: chr17-41771670-G-C. GRCh37 (hg19) VCF-style: chr17-39927922-G-C.
Other names: c.185C>G, p.Thr62Ser (NM_001352773.2, NM_001352774.2, NM_001352775.2 and 3 more transcripts); short protein forms T62S.
Identifiers: ClinVar variation 1781472 (VCV001781472.2), dbSNP rs1555606943, ClinGen allele CA399506634.

ClinVar aggregate classification (germline): Uncertain significance (1 of 4 stars; one submission).

Conditions:
Cardiovascular phenotype. Identifiers: MedGen CN230736.

gnomAD v4.1: 4 of 1,613,936 alleles (0.00025%); highest among the groups gnomAD compares: Non-Finnish European, 0.00034%; no homozygotes.

Submission:

Ambry Genetics
Classification: Uncertain significance for Cardiovascular phenotype. Last evaluated: 2020-11-16. Review status: criteria provided, single submitter. Criteria: Ambry Variant Classification Scheme 2023. Collection method: clinical testing. Allele origin: germline.
Comment: The p.T62S variant (also known as c.185C>G), located in coding exon 1 of the JUP gene, results from a C to G substitution at nucleotide position 185. The threonine at codon 62 is replaced by serine, an amino acid with similar properties. This amino acid position is well conserved in available vertebrate species; however, serine is the reference amino acid in other vertebrate species. In addition, this alteration is predicted to be tolerated by in silico analysis. Since supporting evidence is limited at this time, the clinical significance of this alteration remains unclear.